The following is an entry in ClinVar:

ClinVar aggregate classification (germline): Pathogenic. Review status: no assertion criteria provided (0 of 4 stars). 2 submissions from 2 submitters: Pathogenic (2). Last evaluated 2021-02-01.

Conditions:
Autosomal dominant cone dystrophy with early tritanopia.
Chromosome 16q12 duplication syndrome. Also called: CONE DYSTROPHY WITH EARLY-ONSET TRITANOPIC COLOR VISION DEFECT. Identifiers: MedGen C5562082, MONDO:0859210, OMIM 619649.

Submissions (2):

Molecular Genetics Laboratory, Institute for Ophthalmic Research
Classification: Pathogenic for Autosomal dominant cone dystrophy with early tritanopia. Last evaluated: 2021-02-01. Review status: no assertion criteria provided. Collection method: research. Allele origin: germline. Affected: yes.

ClinVar Staff, National Center for Biotechnology Information (NCBI)
Classification: Pathogenic for Chromosome 16q12 duplication syndrome. Review status: no assertion criteria provided. Collection method: literature only. Allele origin: germline. Inheritance: Autosomal dominant inheritance. Affected: yes. Observed: 9 variant alleles, 9 heterozygotes.
Comment: This 84, 069 bp duplication / insertion affecting the IRXB cluster was found in a family of Dutch descent in which CD segregates as an autosomal dominant trait. The paper by Kohl et al. , 2021 (PubMed 33891002) reported 2 other families with overlapping duplications.

Literature cited by the submitters: DOI 10.1093/hmg/ddab117 (cited by Molecular Genetics Laboratory, Institute for Ophthalmic Research); PubMed 33891002 (cited by ClinVar Staff, National Center for Biotechnology Information (NCBI)).

NC_000016.10:g.54716967_54716968ins[54716967_55565004;AGCTAACAAGTAATACCTAACAGTTATTCAGC]

Variant type: Insertion.
Identifiers: ClinVar variation 997023 (VCV000997023.2).